The following is an entry in ClinVar:

ClinVar aggregate classification (germline): Uncertain significance (1 of 4 stars; one submission).

Conditions:
Inborn genetic diseases. Identifiers: MedGen C0950123, MeSH D030342.

Submission:

Ambry Genetics
Classification: Uncertain significance for Inborn genetic diseases. Last evaluated: 2026-06-08. Review status: criteria provided, single submitter. Criteria: Ambry Variant Classification Scheme 2023. Collection method: clinical testing. Allele origin: germline.
Comment: The p.L1082R variant (also known as c.3245T>G), located in coding exon 33 of the FANCA gene, results from a T to G substitution at nucleotide position 3245. The leucine at codon 1082 is replaced by arginine, an amino acid with dissimilar properties. This amino acid position is conserved. In addition, this alteration is predicted to be deleterious by in silico analysis. Based on the available evidence, the clinical significance of this variant remains unclear.

NM_000135.4(FANCA):c.3245T>G (p.Leu1082Arg)

Gene: FANCA (FA complementation group A; minus strand). Cytogenetic location: 16q24.3.
Variant type: single nucleotide variant.
Coding change: c.3245T>G on transcript NM_000135.4 (MANE Select); coding-DNA position 3245, T replaced by G.
Protein change: p.Leu1082Arg; replaces leucine 1082 with arginine.
Molecular consequence: missense variant.
Genome position (GRCh38, 1-based): chr16:89,748,762, A>C on the plus strand (T>G on the coding strand, the complement: FANCA is on the minus strand). VCF-style: chr16-89748762-A-C. GRCh37 (hg19) VCF-style: chr16-89815170-A-C.
Other names: c.3245T>G, p.Leu1082Arg (NM_001286167.3); short protein forms L1082R.
Identifiers: ClinVar variation 4870912 (VCV004870912.1).